The following is an entry in ClinVar:

NM_002715.4(PPP2CA):c.322C>T (p.Arg108Cys)

Gene: PPP2CA (protein phosphatase 2 catalytic subunit alpha; minus strand). Cytogenetic location: 5q31.1.
Variant type: single nucleotide variant.
Coding change: c.322C>T on transcript NM_002715.4 (MANE Select); coding-DNA position 322, C replaced by T.
Protein change: p.Arg108Cys; replaces arginine 108 with cysteine.
Molecular consequence: missense variant. On other transcripts: non-coding transcript variant (1).
Genome position (GRCh38, 1-based): chr5:134,202,012, G>A on the plus strand (C>T on the coding strand, the complement: PPP2CA is on the minus strand). VCF-style: chr5-134202012-G-A. GRCh37 (hg19) VCF-style: chr5-133537703-G-A.
Other names: c.127C>T, p.Arg43Cys (NM_001355019.2); short protein forms R108C, R43C.
Identifiers: ClinVar variation 1312398 (VCV001312398.9), dbSNP rs749041136, ClinGen allele CA360993272.
Genomic context (GRCh38, chr5:134,202,012, plus strand): 5'-CATAAACTTGTGTGATCTGTCTGCTCTCATGATTCCCTCGAAGAATGGTGATGCGTTCAC[G>A]GTAACGAACCTAAAACAATAAAATGCAAAACATAAACAACTAGCTCTTTCAAAAACCAAT-3'
Protein context (NP_002706.1, residues 98-118): TLLVALKVRY[Arg108Cys]ERITILRGNH

ClinVar aggregate classification (germline): Uncertain significance. Review status: criteria provided, multiple submitters, no conflicts (2 of 4 stars). 2 submissions from 2 submitters: Uncertain significance (2). Last evaluated 2025-12-15.

Submissions (2):

Labcorp Genetics (formerly Invitae), Labcorp
Classification: Uncertain significance. Last evaluated: 2025-12-15. Review status: criteria provided, single submitter. Criteria: Invitae Variant Classification Sherloc (09022015). Collection method: clinical testing. Allele origin: germline.
Comment: This sequence change replaces arginine, which is basic and polar, with cysteine, which is neutral and slightly polar, at codon 108 of the PPP2CA protein (p.Arg108Cys). This variant is not present in population databases (gnomAD no frequency). This variant has not been reported in the literature in individuals affected with PPP2CA-related conditions. ClinVar contains an entry for this variant (Variation ID: 1312398). Invitae Evidence Modeling of protein sequence and biophysical properties (such as structural, functional, and spatial information, amino acid conservation, physicochemical variation, residue mobility, and thermodynamic stability) indicates that this missense variant is not expected to disrupt PPP2CA protein function with a negative predictive value of 80%. In summary, the available evidence is currently insufficient to determine the role of this variant in disease. Therefore, it has been classified as a Variant of Uncertain Significance.

GeneDx
Classification: Uncertain significance. Last evaluated: 2019-09-18. Review status: criteria provided, single submitter. Criteria: GeneDx Variant Classification Process June 2021. Collection method: clinical testing. Allele origin: germline. Affected: yes.
Comment: Not observed in large population cohorts (Lek et al., 2016); In silico analysis, which includes protein predictors and evolutionary conservation, supports a deleterious effect; Has not been previously published as pathogenic or benign to our knowledge